The following is an entry in ClinVar:

ClinVar aggregate classification (germline): Likely benign (1 of 4 stars; one submission).

gnomAD v4.1: 76 of 1,614,026 alleles (0.0047%); highest among the groups gnomAD compares: East Asian, 0.08%; no homozygotes.

Submission:

CeGaT Center for Human Genetics Tuebingen
Classification: Likely benign. Last evaluated: 2026-08-01. Review status: criteria provided, single submitter. Criteria: CeGaT Center For Human Genetics Tuebingen Variant Classification Criteria Version 2. Collection method: clinical testing. Allele origin: germline. Affected: yes. Observed: 1 variant allele.
Comment: PRKG2: BP4

NM_006259.3(PRKG2):c.55G>A (p.Gly19Arg)

Gene: PRKG2 (protein kinase cGMP-dependent 2; minus strand). Cytogenetic location: 4q21.21.
Variant type: single nucleotide variant.
Coding change: c.55G>A on transcript NM_006259.3 (MANE Select); coding-DNA position 55, G replaced by A.
Protein change: p.Gly19Arg; replaces glycine 19 with arginine.
Molecular consequence: missense variant.
Genome position (GRCh38, 1-based): chr4:81,204,993, C>T on the plus strand (G>A on the coding strand, the complement: PRKG2 is on the minus strand). VCF-style: chr4-81204993-C-T. GRCh37 (hg19) VCF-style: chr4-82126147-C-T.
Other names: c.55G>A, p.Gly19Arg (NM_001282485.2, NM_001363401.2); short protein forms G19R.
Identifiers: ClinVar variation 5039003 (VCV005039003.1).